The following is an entry in ClinVar:

ClinVar aggregate classification (germline): Uncertain significance (1 of 4 stars; one submission).

Allele frequency attached by ClinVar (database versions not stated): TOPMed below 0.00001; gnomAD 0.00001.
gnomAD v4.1: 2 of 1,540,988 alleles (0.00013%); highest among the groups gnomAD compares: Admixed American, 0.0041%; no homozygotes.

Submission:

Labcorp Genetics (formerly Invitae), Labcorp
Classification: Uncertain significance. Last evaluated: 2022-01-17. Review status: criteria provided, single submitter. Criteria: Invitae Variant Classification Sherloc (09022015). Collection method: clinical testing. Allele origin: germline.
Comment: This sequence change falls in intron 6 of the IFT57 gene. It does not directly change the encoded amino acid sequence of the IFT57 protein. This variant is not present in population databases (gnomAD no frequency). This variant has not been reported in the literature in individuals affected with IFT57-related conditions. Algorithms developed to predict the effect of sequence changes on RNA splicing suggest that this variant may create or strengthen a splice site. In summary, the available evidence is currently insufficient to determine the role of this variant in disease. Therefore, it has been classified as a Variant of Uncertain Significance.

NM_018010.4(IFT57):c.778-18T>A

Gene: IFT57 (intraflagellar transport 57; minus strand). Cytogenetic location: 3q13.12.
Variant type: single nucleotide variant.
Coding change: c.778-18T>A on transcript NM_018010.4 (MANE Select); 18 bases into the intron before coding-DNA position 778, T replaced by A.
Molecular consequence: intron variant.
Genome position (GRCh38, 1-based): chr3:108,167,882, A>T on the plus strand (T>A on the coding strand, the complement: IFT57 is on the minus strand). VCF-style: chr3-108167882-A-T. GRCh37 (hg19) VCF-style: chr3-107886729-A-T.
Identifiers: ClinVar variation 1955478 (VCV001955478.5), dbSNP rs1268631337, ClinGen allele CA896777199.